The following is an entry in ClinVar:

NM_001080.3(ALDH5A1):c.*2597A>G

Gene: ALDH5A1 (aldehyde dehydrogenase 5 family member A1; plus strand). Cytogenetic location: 6p22.3.
Variant type: single nucleotide variant.
Coding change: c.*2597A>G on transcript NM_001080.3 (MANE Select); 2597 bases downstream of the stop codon, A replaced by G.
Molecular consequence: 3 prime UTR variant.
Genome position (GRCh38, 1-based): chr6:24,536,309, A>G. VCF-style: chr6-24536309-A-G. GRCh37 (hg19) VCF-style: chr6-24536537-A-G.
Other names: c.*2597A>G (NM_001368954.1, NM_170740.1).
Identifiers: ClinVar variation 904327 (VCV000904327.4), dbSNP rs150044083, ClinGen allele CA136115589.

ClinVar aggregate classification (germline): Benign (1 of 4 stars; one submission).

Conditions:
Succinate-semialdehyde dehydrogenase deficiency (SSADHD). Also called: Succinic Semialdehyde Dehydrogenase Deficiency; 4-HYDROXYBUTYRIC ACIDURIA; GABA METABOLIC DEFECT; SSADH DEFICIENCY. Identifiers: Orphanet 22, MedGen C0268631, MONDO:0010083, OMIM 271980.

Allele frequency attached by ClinVar (database versions not stated): 1000 Genomes Project 0.00699; 1000 Genomes Project 30x 0.00765; gnomAD 0.00822 and 0.00885; TOPMed 0.00924.

Submission:

Illumina Laboratory Services, Illumina
Classification: Benign for Succinate-semialdehyde dehydrogenase deficiency. Last evaluated: 2017-04-27. Review status: criteria provided, single submitter. Criteria: ICSL Variant Classification Criteria 13 December 2019. Collection method: clinical testing. Allele origin: germline.
Comment: This variant was observed as part of a predisposition screen in an ostensibly healthy population. A literature search was performed for the gene, cDNA change, and amino acid change (where applicable). No publications were found based on this search. Allele frequency data from public databases was too high to be consistent with this variant causing disease. Therefore, this variant is classified as benign.